The following is an entry in ClinVar:

NM_000368.5(TSC1):c.396C>T (p.Gly132=)

Gene: TSC1 (TSC complex subunit 1; minus strand). Cytogenetic location: 9q34.13.
Variant type: single nucleotide variant.
Coding change: c.396C>T on transcript NM_000368.5 (MANE Select); coding-DNA position 396, C replaced by T.
Protein change: p.Gly132=; no amino-acid change (glycine 132 retained).
Molecular consequence: synonymous variant.
Genome position (GRCh38, 1-based): chr9:132,923,460, G>A on the plus strand (C>T on the coding strand, the complement: TSC1 is on the minus strand). VCF-style: chr9-132923460-G-A. GRCh37 (hg19) VCF-style: chr9-135798847-G-A.
Other names: c.396C>T, p.Gly132= (NM_001162426.2); c.243C>T, p.Gly81= (NM_001162427.2); c.33C>T, p.Gly11= (NM_001362177.2).
Identifiers: ClinVar variation 64731 (VCV000064731.13), dbSNP rs368922726, ClinGen allele CA007558.
Genomic context (GRCh38, chr9:132,923,460, plus strand): 5'-AAGAAGATGCTGTTTCCCAGACTGTGGAATCATTGGTAGCATGGTTATCAACACCAAGAC[G>A]CCTGTTGTGAGGACAACGACGTCAGTGTCCATCTGCAGGAGAAAAGGTCAAACAGGAAAC-3'
Protein context (NP_000359.1, residues 122-142): MDTDVVVLTT[Gly132=]VLVLITMLPM

ClinVar aggregate classification (germline): Benign/Likely benign. Review status: criteria provided, multiple submitters, no conflicts (2 of 4 stars). 5 submissions from 5 submitters: Benign (1); Likely benign (3). 1 of the submissions does not count toward it. Last evaluated 2025-08-28.

Conditions:
Isolated focal cortical dysplasia type II (FCORD2). Also called: CORTICAL DYSPLASIA OF TAYLOR; Focal cortical dysplasia type II. Identifiers: Orphanet 268994, MedGen C1846385, MONDO:0011818, OMIM 607341, HP:0032051.
Hereditary cancer-predisposing syndrome. Also called: Neoplastic Syndromes, Hereditary; Tumor predisposition; Hereditary neoplastic syndrome; Hereditary Cancer Syndrome. Identifiers: Orphanet 140162, MedGen C0027672, MeSH D009386, MONDO:0015356.
Tuberous sclerosis syndrome (TSC). Also called: Tuberous sclerosis; Tuberous Sclerosis Complex. Identifiers: Orphanet 805, MedGen C0041341, MONDO:0001734.
Tuberous sclerosis 1 (TSC1). Identifiers: Orphanet 805, MedGen C1854465, MONDO:0008612, OMIM 191100.

Allele frequency attached by ClinVar (database versions not stated): gnomAD exomes below 0.00001; TOPMed below 0.00001; ESP Exome Variant Server 0.00008.

Submissions (5):

Ambry Genetics
Classification: Likely benign for Hereditary cancer-predisposing syndrome. Last evaluated: 2025-08-28. Review status: criteria provided, single submitter. Criteria: Ambry Variant Classification Scheme 2023. Collection method: clinical testing. Allele origin: germline.

Labcorp Genetics (formerly Invitae), Labcorp
Classification: Likely benign for Tuberous sclerosis 1. Last evaluated: 2025-07-02. Review status: criteria provided, single submitter. Criteria: Invitae Variant Classification Sherloc (09022015). Collection method: clinical testing. Allele origin: germline.

Myriad Genetics, Inc.
Classification: Benign for Tuberous sclerosis 1. Last evaluated: 2025-04-08. Review status: criteria provided, single submitter. Criteria: Myriad Autosomal Dominant, Autosomal Recessive and X-Linked Classification Criteria (2023). Collection method: clinical testing. Allele origin: unknown.
Comment: This variant is considered benign. This variant is a silent/synonymous amino acid change and it is not expected to impact splicing.

Baylor Genetics
Classification: Likely benign for Isolated focal cortical dysplasia type II. Last evaluated: 2024-09-01. Review status: criteria provided, single submitter. Criteria: ACMG Guidelines, 2015. Collection method: clinical testing. Allele origin: unknown.

Tuberous sclerosis database (TSC1)
No classification provided. Condition: TSC. Review status: no classification provided. Criteria: Tuberous Sclerosis Database Assertion Criteria 2015. Collection method: curation. Allele origin: germline. Affected: yes. Not counted in ClinVar's aggregate classification.